The following is an entry in ClinVar:

NM_001129729.3(PLEKHG4):c.1891C>T (p.Arg631Trp)

Gene: PLEKHG4 (pleckstrin homology and RhoGEF domain containing G4; plus strand). Cytogenetic location: 16q22.1.
Variant type: single nucleotide variant.
Coding change: c.1891C>T on transcript NM_001129729.3 (MANE Select); coding-DNA position 1891, C replaced by T.
Protein change: p.Arg631Trp; replaces arginine 631 with tryptophan.
Molecular consequence: missense variant.
Genome position (GRCh38, 1-based): chr16:67,284,911, C>T. VCF-style: chr16-67284911-C-T. GRCh37 (hg19) VCF-style: chr16-67318814-C-T.
Other names: c.1891C>T, p.Arg631Trp (NM_001129727.3, NM_001129728.2); c.1648C>T, p.Arg550Trp (NM_001129731.3); short protein forms R550W, R631W.
Identifiers: ClinVar variation 4533505 (VCV004533505.6).

ClinVar aggregate classification (germline): Benign (1 of 4 stars; one submission).

gnomAD v4.1: 699 of 1,612,594 alleles (0.043%); highest among the groups gnomAD compares: Middle Eastern, 0.066%; 3 homozygotes.

Submission:

CeGaT Center for Human Genetics Tuebingen
Classification: Benign. Last evaluated: 2025-10-01. Review status: criteria provided, single submitter. Criteria: CeGaT Center For Human Genetics Tuebingen Variant Classification Criteria Version 2. Collection method: clinical testing. Allele origin: germline. Affected: yes. Observed: 1 variant allele.
Comment: PLEKHG4: BP4, BS1, BS2